The following is an entry in ClinVar:

NM_012431.3(SEMA3E):c.1141T>C (p.Ser381Pro)

Gene: SEMA3E (semaphorin 3E; minus strand). Cytogenetic location: 7q21.11.
Variant type: single nucleotide variant.
Coding change: c.1141T>C on transcript NM_012431.3 (MANE Select); coding-DNA position 1141, T replaced by C.
Protein change: p.Ser381Pro; replaces serine 381 with proline.
Molecular consequence: missense variant.
Genome position (GRCh38, 1-based): chr7:83,402,634, A>G on the plus strand (T>C on the coding strand, the complement: SEMA3E is on the minus strand). VCF-style: chr7-83402634-A-G. GRCh37 (hg19) VCF-style: chr7-83031950-A-G.
Other names: c.961T>C, p.Ser321Pro (NM_001178129.2); short protein forms S381P, S321P.
Identifiers: ClinVar variation 3698232 (VCV003698232.2).

ClinVar aggregate classification (germline): Uncertain significance (1 of 4 stars; one submission).

Conditions:
CHARGE syndrome (CHARGE). Also called: Hittner Hirsch Kreh syndrome; CHARGE ASSOCIATION--COLOBOMA, HEART ANOMALY, CHOANAL ATRESIA, RETARDATION, GENITAL AND EAR ANOMALIES; Coloboma, heart anomaly, choanal atresia, retardation, genital and ear anomalies; CHARGE association; Hall-Hittner syndrome. Identifiers: Orphanet 138, MedGen C0265354, MONDO:0008965.

gnomAD v4.1: 2 of 1,611,972 alleles (0.00012%); highest among the groups gnomAD compares: Non-Finnish European, 0.00017%; no homozygotes.

Submission:

Labcorp Genetics (formerly Invitae), Labcorp
Classification: Uncertain significance for CHARGE syndrome. Last evaluated: 2024-07-15. Review status: criteria provided, single submitter. Criteria: Invitae Variant Classification Sherloc (09022015). Collection method: clinical testing. Allele origin: germline.
Comment: This sequence change replaces serine, which is neutral and polar, with proline, which is neutral and non-polar, at codon 381 of the SEMA3E protein (p.Ser381Pro). This variant is present in population databases (no rsID available, gnomAD 0.0009%). This variant has not been reported in the literature in individuals affected with SEMA3E-related conditions. An algorithm developed to predict the effect of missense changes on protein structure and function (PolyPhen-2) suggests that this variant is likely to be disruptive. In summary, the available evidence is currently insufficient to determine the role of this variant in disease. Therefore, it has been classified as a Variant of Uncertain Significance.